The following is an entry in ClinVar:

NM_182961.4(SYNE1):c.21523-268A>G

Genes: SYNE1 (spectrin repeat containing nuclear envelope protein 1; minus strand), LOC126859836 (MED14-independent group 3 enhancer GRCh37_chr6:152542272-152543471; plus strand). Cytogenetic location: 6q25.2.
Variant type: single nucleotide variant.
Coding change: c.21523-268A>G on transcript NM_182961.4 (MANE Select); 268 bases into the intron before coding-DNA position 21523, A replaced by G.
Molecular consequence: intron variant.
Genome position (GRCh38, 1-based): chr6:152,221,827, T>C on the plus strand (A>G on the coding strand, the complement: SYNE1 is on the minus strand). VCF-style: chr6-152221827-T-C. GRCh37 (hg19) VCF-style: chr6-152542962-T-C.
Other names: c.21310-268A>G (NM_033071.5).
Identifiers: ClinVar variation 683970 (VCV000683970.1), dbSNP rs9383977, ClinGen allele CA15430846.
Genomic context (GRCh38, chr6:152,221,827, plus strand): 5'-TCTGAGCAATGAAGCCTTCTTCTATTGGCATTTGCATTCTGCTGAAAAACTCACATAGGG[T>C]GCCCTTGTCCATTGTCTGGTAGGAAGCTGCCAGAGATGGTAAATTCCTCTTCAAAGGGTT-3'

ClinVar aggregate classification (germline): Benign (1 of 4 stars; one submission).

Allele frequency attached by ClinVar (database versions not stated): gnomAD 0.31404 and 0.32189; TOPMed 0.31809; 1000 Genomes Project 30x 0.38242; 1000 Genomes Project 0.38858.
gnomAD v4.1: 48,950 of 151,998 alleles (32%); highest among the groups gnomAD compares: East Asian, 56%; 8,352 homozygotes.

Submission:

GeneDx
Classification: Benign. Last evaluated: 2018-06-14. Review status: criteria provided, single submitter. Criteria: GeneDx Variant Classification (06012015). Collection method: clinical testing. Allele origin: germline. Affected: yes.
Comment: This variant is considered likely benign or benign based on one or more of the following criteria: it is a conservative change, it occurs at a poorly conserved position in the protein, it is predicted to be benign by multiple in silico algorithms, and/or has population frequency not consistent with disease.